The following is an entry in ClinVar:

ClinVar aggregate classification (germline): Likely pathogenic. Review status: criteria provided, multiple submitters, no conflicts (2 of 4 stars). 2 submissions from 2 submitters: Likely pathogenic (2). Last evaluated 2025-07-15.

Conditions:
Dyskeratosis congenita. Identifiers: Orphanet 1775, MedGen C0265965, MONDO:0015780.

Submissions (2):

Mayo Clinic Laboratories, Mayo Clinic
Classification: Likely pathogenic. Last evaluated: 2025-07-15. Review status: criteria provided, single submitter. Criteria: ACMG Guidelines, 2015. Collection method: clinical testing. Allele origin: germline. Observed: 1 variant allele.
Comment: PM2_supporting, PVS1

Natera, Inc.
Classification: Likely pathogenic for Dyskeratosis congenita. Last evaluated: 2025-04-17. Review status: criteria provided, single submitter. Criteria: Natera Variant Classification Schema (03/2026). Collection method: clinical testing. Allele origin: germline.
Comment: The c.320del variant in RTEL1 is a frameshift variant predicted to shift the reading frame beginning at codon 107 and leads to a stop codon 68 codons downstream. This variant is expected to result in nonsense mediated decay, truncation, or a dysfunctional protein product. This variant is rare in the general population with a frequency below the threshold expected for the associated phenotype(s). Given the available evidence, this variant is classified as Likely Pathogenic.

NM_001283009.2(RTEL1):c.320del (p.Pro107fs)

Genes: RTEL1 (regulator of telomere elongation helicase 1; plus strand), RTEL1-TNFRSF6B (RTEL1-TNFRSF6B readthrough (NMD candidate); plus strand). Cytogenetic location: 20q13.33.
Variant type: Deletion.
Coding change: c.320del on transcript NM_001283009.2 (MANE Select); coding-DNA position 320, one base deleted (C; older notation c.320delC).
Protein change: p.Pro107fs; shifts the reading frame from proline 107.
Molecular consequence: frameshift variant. On other transcripts: non-coding transcript variant (1), 5 prime UTR variant (1).
Genome position (GRCh38, 1-based): chr20:63,661,868, C deleted; the last of 3 consecutive C bases (chr20:63,661,866-63,661,868); deleting any one gives the same sequence. VCF-style (leftmost placement, unchanged base first): chr20-63661865-TC-T. GRCh37 (hg19) VCF-style: chr20-62293218-TC-T.
Other names: p.Pro107Glnfs*44; c.-350del (NM_001283010.1); c.320del, p.Pro107fs (NM_016434.4, NM_032957.5); short protein forms P107fs.
Identifiers: ClinVar variation 4060914 (VCV004060914.3).